The following is an entry in ClinVar:

ClinVar aggregate classification (germline): Uncertain significance (1 of 4 stars; one submission).

Submission:

Labcorp Genetics (formerly Invitae), Labcorp
Classification: Uncertain significance. Last evaluated: 2022-06-20. Review status: criteria provided, single submitter. Criteria: Invitae Variant Classification Sherloc (09022015). Collection method: clinical testing. Allele origin: germline.
Comment: This sequence change affects the initiator methionine of the RPL19 mRNA. The next in-frame methionine is located at codon 3. This variant is not present in population databases (gnomAD no frequency). This variant has not been reported in the literature in individuals affected with RPL19-related conditions. Experimental studies and prediction algorithms are not available or were not evaluated, and the functional significance of this variant is currently unknown. In summary, the available evidence is currently insufficient to determine the role of this variant in disease. Therefore, it has been classified as a Variant of Uncertain Significance.

NM_000981.4(RPL19):c.3G>C (p.Met1Ile)

Gene: RPL19 (ribosomal protein L19; plus strand). Cytogenetic location: 17q12.
Variant type: single nucleotide variant.
Coding change: c.3G>C on transcript NM_000981.4 (MANE Select); coding-DNA position 3, G replaced by C.
Protein change: p.Met1Ile; changes the start codon (methionine 1).
Molecular consequence: missense variant, initiator codon variant. On other transcripts: 5 prime UTR variant (1).
Genome position (GRCh38, 1-based): chr17:39,200,347, G>C. VCF-style: chr17-39200347-G-C. GRCh37 (hg19) VCF-style: chr17-37356600-G-C.
Other names: c.-398G>C (NM_001330200.1); short protein forms M1I.
Identifiers: ClinVar variation 1922342 (VCV001922342.6), dbSNP rs2509306943, ClinGen allele CA398832519.